The following is an entry in ClinVar:

NM_000552.5(VWF):c.4453G>A (p.Val1485Ile)

Gene: VWF (von Willebrand factor; minus strand). Cytogenetic location: 12p13.31.
Variant type: single nucleotide variant.
Coding change: c.4453G>A on transcript NM_000552.5 (MANE Select); coding-DNA position 4453, G replaced by A.
Protein change: p.Val1485Ile; replaces valine 1485 with isoleucine.
Molecular consequence: missense variant.
Genome position (GRCh38, 1-based): chr12:6,018,965, C>T on the plus strand (G>A on the coding strand, the complement: VWF is on the minus strand). VCF-style: chr12-6018965-C-T. GRCh37 (hg19) VCF-style: chr12-6128131-C-T.
Other names: p.Val1485Ile; c.4453G>A (NM_000552.3); short protein forms V1485I.
Identifiers: ClinVar variation 3380071 (VCV003380071.2).

ClinVar aggregate classification (germline): Uncertain significance. Review status: criteria provided, multiple submitters, no conflicts (2 of 4 stars). 2 submissions from 2 submitters: Uncertain significance (2). Last evaluated 2025-11-25.

Conditions:
Inborn genetic diseases. Identifiers: MedGen C0950123, MeSH D030342.

gnomAD v4.1: 13 of 1,613,750 alleles (0.00081%); highest among the groups gnomAD compares: African/African-American, 0.0027%; no homozygotes.

Submissions (2):

Ambry Genetics
Classification: Uncertain significance for Inborn genetic diseases. Last evaluated: 2025-11-25. Review status: criteria provided, single submitter. Criteria: Ambry Variant Classification Scheme 2023. Collection method: clinical testing. Allele origin: germline.

Mayo Clinic Laboratories, Mayo Clinic
Classification: Uncertain significance. Last evaluated: 2023-11-07. Review status: criteria provided, single submitter. Criteria: ACMG Guidelines, 2015. Collection method: clinical testing. Allele origin: germline. Observed: 1 variant allele.
Comment: BP4, PM2_moderate